The following is an entry in ClinVar:

NM_000023.4(SGCA):c.220C>T (p.Arg74Trp)

Gene: SGCA (sarcoglycan alpha; plus strand). Cytogenetic location: 17q21.33.
Variant type: single nucleotide variant.
Coding change: c.220C>T on transcript NM_000023.4 (MANE Select); coding-DNA position 220, C replaced by T.
Protein change: p.Arg74Trp; replaces arginine 74 with tryptophan.
Molecular consequence: missense variant. On other transcripts: non-coding transcript variant (1).
Genome position (GRCh38, 1-based): chr17:50,167,644, C>T. VCF-style: chr17-50167644-C-T. GRCh37 (hg19) VCF-style: chr17-48245005-C-T.
Other names: c.220C>T (NM_000023.3); c.220C>T, p.Arg74Trp (NM_001135697.3); short protein forms R74W.
Identifiers: ClinVar variation 188811 (VCV000188811.20), dbSNP rs757888349, ClinGen allele CA199069.

ClinVar aggregate classification (germline): Pathogenic/Likely pathogenic. Review status: criteria provided, multiple submitters, no conflicts (2 of 4 stars). 5 submissions from 5 submitters: Pathogenic (2); Likely pathogenic (3). Last evaluated 2025-08-28.

Conditions:
Autosomal recessive limb-girdle muscular dystrophy. Identifiers: Orphanet 102015, MedGen C2931907, MONDO:0015152.
Autosomal recessive limb-girdle muscular dystrophy type 2D (LGMDR3). Also called: DUCHENNE-LIKE AUTOSOMAL RECESSIVE MUSCULAR DYSTROPHY, TYPE 2; MUSCULAR DYSTROPHY, LIMB-GIRDLE, AUTOSOMAL RECESSIVE 3; ADHALINOPATHY, PRIMARY. Identifiers: Orphanet 62, MedGen C2936332, MONDO:0011968, OMIM 608099. Disease mechanism: Affects gamma-sarcoglycan and also disrupts the integrity of the entire sarcoglycan complex..

Allele frequency attached by ClinVar (database versions not stated): gnomAD 0.00001; gnomAD exomes 0.00001; ExAC 0.00002.
gnomAD v4.1: 8 of 1,613,786 alleles (0.0005%); highest among the groups gnomAD compares: East Asian, 0.0045%; no homozygotes.

Submissions (5):

Labcorp Genetics (formerly Invitae), Labcorp
Classification: Pathogenic for Autosomal recessive limb-girdle muscular dystrophy type 2D. Last evaluated: 2025-08-28. Review status: criteria provided, single submitter. Criteria: Invitae Variant Classification Sherloc (09022015). Collection method: clinical testing. Allele origin: germline.
Comment: This sequence change replaces arginine, which is basic and polar, with tryptophan, which is neutral and slightly polar, at codon 74 of the SGCA protein (p.Arg74Trp). The frequency data for this variant in the population databases is considered unreliable, as metrics indicate poor data quality at this position in the gnomAD database. This missense change has been observed in individual(s) with autosomal recessive limb-girdle muscular dystrophy (LGMD) (PMID: 9455986, 10993494, 15833425, 18285821, 24464767, 30345904; internal data). In at least one individual the data is consistent with being in trans (on the opposite chromosome) from a pathogenic variant. It has also been observed to segregate with disease in related individuals. ClinVar contains an entry for this variant (Variation ID: 188811). Invitae Evidence Modeling of protein sequence and biophysical properties (such as structural, functional, and spatial information, amino acid conservation, physicochemical variation, residue mobility, and thermodynamic stability) indicates that this missense variant is expected to disrupt SGCA protein function with a positive predictive value of 95%. For these reasons, this variant has been classified as Pathogenic.

Revvity Omics, Revvity
Classification: Likely pathogenic for Autosomal recessive limb-girdle muscular dystrophy type 2D. Last evaluated: 2024-04-16. Review status: criteria provided, single submitter. Criteria: ACMG Guidelines, 2015. Collection method: clinical testing. Allele origin: germline.

Women's Health and Genetics/Laboratory Corporation of America, LabCorp
Classification: Pathogenic for Autosomal recessive limb-girdle muscular dystrophy. Last evaluated: 2023-08-30. Review status: criteria provided, single submitter. Criteria: LabCorp Variant Classification Summary - May 2015. Collection method: clinical testing. Allele origin: germline.
Comment: Variant summary: SGCA c.220C>T (p.Arg74Trp) results in a non-conservative amino acid change located in the Dystroglycan-type cadherin-like domain (IPR006644) of the encoded protein sequence. Five of five in-silico tools predict a damaging effect of the variant on protein function. The variant allele was found at a frequency of 8e-06 in 250198 control chromosomes (gnomAD). c.220C>T has been reported in the literature in multiple individuals affected with Limb-Girdle Muscular Dystrophy, Autosomal Recessive (examples: Higuchi_1997, Trabelsi_2008, Saha_2018, Ganapathy_2019). These data indicate that the variant is very likely to be associated with disease. The following publications have been ascertained in the context of this evaluation (PMID: 30345904, 9455986, 31069529, 18285821). Three submitters have cited clinical-significance assessments for this variant to ClinVar after 2014. All submitters classified the variant as pathogenic/likely pathogenic. Based on the evidence outlined above, the variant was classified as pathogenic.

Genome-Nilou Lab
Classification: Likely pathogenic for Autosomal recessive limb-girdle muscular dystrophy type 2D. Last evaluated: 2023-02-08. Review status: criteria provided, single submitter. Criteria: ACMG Guidelines, 2015. Collection method: clinical testing. Allele origin: germline.

Myriad Genetics, Inc.
Classification: Likely pathogenic for Autosomal recessive limb-girdle muscular dystrophy type 2D. Last evaluated: 2021-11-15. Review status: criteria provided, single submitter. Criteria: Myriad Women's Health Autosomal Recessive and X-Linked Classification Criteria (2021). Collection method: clinical testing. Allele origin: unknown.
Comment: NM_000023.2(SGCA):c.220C>T(R74W) is a missense variant classified as likely pathogenic in the context of alpha-sarcoglycanopathy. R74W has been observed in cases with relevant disease (PMID: 10993494, 18285821, 9455986, 30345904, 31069529, 29382405). Functional assessments of this variant are not available in the literature. R74W has been observed in population frequency databases (gnomAD: NFE <0.001%). In summary, NM_000023.2(SGCA):c.220C>T(R74W) is a missense variant that has been observed more frequently in cases with the relevant disease than in healthy populations. Please note: this variant was assessed in the context of healthy population screening.

Literature cited by the submitters: PubMed 9455986 (cited by 3 submitters); PubMed 10993494 (cited by Labcorp Genetics (formerly Invitae), Labcorp and Myriad Genetics, Inc.); PubMed 15833425 (cited by Labcorp Genetics (formerly Invitae), Labcorp); PubMed 18285821 (cited by 3 submitters); PubMed 24464767 (cited by Labcorp Genetics (formerly Invitae), Labcorp); PubMed 30345904 (cited by 3 submitters); PubMed 31069529 (cited by Women's Health and Genetics/Laboratory Corporation of America, LabCorp and Myriad Genetics, Inc.); PubMed 29382405 (cited by Myriad Genetics, Inc.).